The following is an entry in ClinVar:

ClinVar aggregate classification (germline): Likely benign (0 of 4 stars; one submission).

Conditions:
UBR3-related disorder. Also called: UBR3-related condition.

Submission:

PreventionGenetics, part of Exact Sciences
Classification: Likely benign for UBR3-related condition. Last evaluated: 2020-04-19. Review status: no assertion criteria provided. Collection method: clinical testing. Allele origin: germline.
Comment: This variant is classified as likely benign based on ACMG/AMP sequence variant interpretation guidelines (Richards et al. 2015 PMID: 25741868, with internal and published modifications).

NM_172070.4(UBR3):c.255G>A (p.Ala85=)

Genes: UBR3 (ubiquitin protein ligase E3 component n-recognin 3; plus strand), LOC129935076 (ATAC-STARR-seq lymphoblastoid silent region 12087; plus strand). Cytogenetic location: 2q31.1.
Variant type: single nucleotide variant.
Coding change: c.255G>A on transcript NM_172070.4 (MANE Select); coding-DNA position 255, G replaced by A.
Protein change: p.Ala85=; no amino-acid change (alanine 85 retained).
Molecular consequence: synonymous variant.
Genome position (GRCh38, 1-based): chr2:169,827,762, G>A. VCF-style: chr2-169827762-G-A. GRCh37 (hg19) VCF-style: chr2-170684272-G-A.
Identifiers: ClinVar variation 3054969 (VCV003054969.2), dbSNP rs2528807510, ClinGen allele CA429880475.